The following is an entry in ClinVar:

ClinVar aggregate classification (germline): Uncertain significance (1 of 4 stars; one submission).

Conditions:
Cardiovascular phenotype. Identifiers: MedGen CN230736.

Submission:

Ambry Genetics
Classification: Uncertain significance for Cardiovascular phenotype. Last evaluated: 2025-05-05. Review status: criteria provided, single submitter. Criteria: Ambry Variant Classification Scheme 2023. Collection method: clinical testing. Allele origin: germline.
Comment: The p.N66H variant (also known as c.196A>C), located in coding exon 3 of the APOA5 gene, results from an A to C substitution at nucleotide position 196. The asparagine at codon 66 is replaced by histidine, an amino acid with similar properties. This amino acid position is conserved. In addition, this alteration is predicted to be tolerated by in silico analysis. Based on the available evidence, the clinical significance of this variant remains unclear.

NM_001371904.1(APOA5):c.196A>C (p.Asn66His)

Gene: APOA5 (apolipoprotein A5; minus strand). Cytogenetic location: 11q23.3.
Variant type: single nucleotide variant.
Coding change: c.196A>C on transcript NM_001371904.1 (MANE Select); coding-DNA position 196, A replaced by C.
Protein change: p.Asn66His; replaces asparagine 66 with histidine.
Molecular consequence: missense variant.
Genome position (GRCh38, 1-based): chr11:116,791,033, T>G on the plus strand (A>C on the coding strand, the complement: APOA5 is on the minus strand). VCF-style: chr11-116791033-T-G. GRCh37 (hg19) VCF-style: chr11-116661749-T-G.
Other names: c.196A>C, p.Asn66His (NM_001166598.2, NM_052968.5); short protein forms N66H.
Identifiers: ClinVar variation 3931809 (VCV003931809.1).